The following is an entry in ClinVar:

ClinVar aggregate classification (germline): Likely benign. Review status: criteria provided, multiple submitters, no conflicts (2 of 4 stars). 2 submissions from 2 submitters: Likely benign (2). Last evaluated 2025-06-29.

Allele frequency attached by ClinVar (database versions not stated): gnomAD exomes below 0.00001; gnomAD 0.00001; TOPMed 0.00002.
gnomAD v4.1: 8 of 1,612,920 alleles (0.0005%); highest among the groups gnomAD compares: Middle Eastern, 0.016%; no homozygotes.

Submissions (2):

Labcorp Genetics (formerly Invitae), Labcorp
Classification: Likely benign. Last evaluated: 2025-06-29. Review status: criteria provided, single submitter. Criteria: Invitae Variant Classification Sherloc (09022015). Collection method: clinical testing. Allele origin: germline.

CeGaT Center for Human Genetics Tuebingen
Classification: Likely benign. Last evaluated: 2022-06-01. Review status: criteria provided, single submitter. Criteria: CeGaT Center For Human Genetics Tuebingen Variant Classification Criteria Version 2. Collection method: clinical testing. Allele origin: germline. Affected: yes. Observed: 1 variant allele.
Comment: DCHS1: BP4, BP7

NM_003737.4(DCHS1):c.9549C>T (p.Ile3183=)

Gene: DCHS1 (dachsous cadherin-related 1; minus strand). Cytogenetic location: 11p15.4.
Variant type: single nucleotide variant.
Coding change: c.9549C>T on transcript NM_003737.4 (MANE Select); coding-DNA position 9549, C replaced by T.
Protein change: p.Ile3183=; no amino-acid change (isoleucine 3183 retained).
Molecular consequence: synonymous variant.
Genome position (GRCh38, 1-based): chr11:6,622,127, G>A on the plus strand (C>T on the coding strand, the complement: DCHS1 is on the minus strand). VCF-style: chr11-6622127-G-A. GRCh37 (hg19) VCF-style: chr11-6643358-G-A.
Identifiers: ClinVar variation 2641558 (VCV002641558.26), dbSNP rs1236669312, ClinGen allele CA472923373.